The following is an entry in ClinVar:

ClinVar aggregate classification (germline): Likely benign. Review status: criteria provided, multiple submitters, no conflicts (2 of 4 stars). 3 submissions from 3 submitters: Likely benign (3). Last evaluated 2025-04-01.

Conditions:
Generalized epilepsy-paroxysmal dyskinesia syndrome (PNKD3). Also called: Generalized epilepsy and paroxysmal dyskinesia; Paroxysmal nonkinesigenic dyskinesia, 3, with or without generalized epilepsy. Identifiers: Orphanet 79137, MedGen C5574945, MONDO:0012276, OMIM 609446.

Allele frequency attached by ClinVar (database versions not stated): gnomAD 0.00002; ESP Exome Variant Server 0.00008.
gnomAD v4.1: 20 of 1,614,020 alleles (0.0012%); highest among the groups gnomAD compares: Non-Finnish European, 0.0015%; no homozygotes.

Submissions (3):

CeGaT Center for Human Genetics Tuebingen
Classification: Likely benign. Last evaluated: 2025-04-01. Review status: criteria provided, single submitter. Criteria: CeGaT Center For Human Genetics Tuebingen Variant Classification Criteria Version 2. Collection method: clinical testing. Allele origin: germline. Affected: yes. Observed: 1 variant allele.
Comment: KCNMA1: BP4, BP7

Labcorp Genetics (formerly Invitae), Labcorp
Classification: Likely benign for Generalized epilepsy-paroxysmal dyskinesia syndrome. Last evaluated: 2024-07-15. Review status: criteria provided, single submitter. Criteria: Invitae Variant Classification Sherloc (09022015). Collection method: clinical testing. Allele origin: germline.

Blueprint Genetics
Classification: Likely benign. Last evaluated: 2022-12-07. Review status: criteria provided, single submitter. Criteria: ACMG Guidelines, 2015. Collection method: clinical testing. Allele origin: germline.

NM_001161352.2(KCNMA1):c.3498C>T (p.Leu1166=)

Gene: KCNMA1 (potassium calcium-activated channel subfamily M alpha 1; minus strand). Cytogenetic location: 10q22.3.
Variant type: single nucleotide variant.
Coding change: c.3498C>T on transcript NM_001161352.2 (MANE Select); coding-DNA position 3498, C replaced by T.
Protein change: p.Leu1166=; no amino-acid change (leucine 1166 retained).
Molecular consequence: synonymous variant.
Genome position (GRCh38, 1-based): chr10:76,887,479, G>A on the plus strand (C>T on the coding strand, the complement: KCNMA1 is on the minus strand). VCF-style: chr10-76887479-G-A. GRCh37 (hg19) VCF-style: chr10-78647237-G-A.
Other names: c.3336C>T, p.Leu1112= (NM_001014797.3); c.3447C>T, p.Leu1149= (NM_001161353.2); c.3174C>T, p.Leu1058= (NM_001271518.2); c.3414C>T, p.Leu1138= (NM_001271519.2); c.3333C>T, p.Leu1111= (NM_001322829.2, NM_001322836.2); c.3426C>T, p.Leu1142= (NM_001322830.2); c.3324C>T, p.Leu1108= (NM_001322832.2, NM_001410940.1, NM_002247.4); c.3417C>T, p.Leu1139= (NM_001322835.2, NM_001322837.2); and 1 more.
Identifiers: ClinVar variation 2041534 (VCV002041534.12), dbSNP rs370888223, ClinGen allele CA5567827.